The following is an entry in ClinVar:

NM_001164508.2(NEB):c.2211+2T>A

Gene: NEB (nebulin; minus strand). Cytogenetic location: 2q23.3.
Variant type: single nucleotide variant.
Coding change: c.2211+2T>A on transcript NM_001164508.2 (MANE Select); the canonical splice donor site of the intron after coding-DNA position 2211, T replaced by A.
Molecular consequence: splice donor variant.
Genome position (GRCh38, 1-based): chr2:151,691,862, A>T on the plus strand (T>A on the coding strand, the complement: NEB is on the minus strand). VCF-style: chr2-151691862-A-T. GRCh37 (hg19) VCF-style: chr2-152548376-A-T.
Other names: c.2211+2T>A (NM_004543.5, NM_001164507.2, NM_001271208.2).
Identifiers: ClinVar variation 1466481 (VCV001466481.8), dbSNP rs2149150540, ClinGen allele CA348823519.

ClinVar aggregate classification (germline): Likely pathogenic (1 of 4 stars; one submission).

Conditions:
Nemaline myopathy 2 (NEM2). Also called: Nemaline myopathy 2, autosomal recessive. Identifiers: MedGen C1850569, MONDO:0009725, OMIM 256030.

Submission:

Labcorp Genetics (formerly Invitae), Labcorp
Classification: Likely pathogenic for Nemaline myopathy 2. Last evaluated: 2021-05-13. Review status: criteria provided, single submitter. Criteria: Invitae Variant Classification Sherloc (09022015). Collection method: clinical testing. Allele origin: germline.
Comment: This sequence change affects a donor splice site in intron 23 of the NEB gene. It is expected to disrupt RNA splicing. Variants that disrupt the donor or acceptor splice site typically lead to a loss of protein function (PMID: 16199547), and loss-of-function variants in NEB are known to be pathogenic (PMID: 25205138). This variant is not present in population databases (ExAC no frequency). This variant has not been reported in the literature in individuals with NEB-related conditions. Algorithms developed to predict the effect of sequence changes on RNA splicing suggest that this variant may disrupt the consensus splice site, but this prediction has not been confirmed by published transcriptional studies. In summary, the currently available evidence indicates that the variant is pathogenic, but additional data are needed to prove that conclusively. Therefore, this variant has been classified as Likely Pathogenic.

Literature cited by the submitters: PubMed 16199547; PubMed 25205138.